The following is an entry in ClinVar:

ClinVar aggregate classification (germline): Likely pathogenic (1 of 4 stars; one submission).

Conditions:
Retinitis pigmentosa (RP). Identifiers: Orphanet 791, MedGen C0035334, MeSH D012174, MONDO:0019200, OMIM 268000. Inheritance: Autosomal dominant, autosomal recessive and X linked inheritance.

gnomAD v4.1: 2 of 1,613,072 alleles (0.00012%); highest among the groups gnomAD compares: Non-Finnish European, 0.00017%; no homozygotes.

Submission:

Advanced Center For Translational And Genetic Medicine, Ann & Robert H. Lurie Children's Hospital Of Chicago
Classification: Likely pathogenic for Retinitis pigmentosa. Last evaluated: 2024-07-29. Review status: criteria provided, single submitter. Criteria: ACMG Guidelines, 2015. Collection method: research, in vitro. Allele origin: paternal, not applicable. Affected: yes. Observed: 1 compound heterozygote. Functional consequence: loss_of_function_variant.
Comment: Well-established in vitro or in vivo functional studies supportive of a damaging effect on the gene or gene product (PS3), Extremely low frequency in gnomAD v4.1.0 (recessive condition) (PM2), Multiple computational tools support deleterious effect, CADD=28 and Mutation Taster predicts Disease Causing (PP3)

NM_024899.4(CEP76):c.497T>C (p.Leu166Pro)

Genes: CEP76 (centrosomal protein 76; minus strand), PSMG2 (proteasome assembly chaperone 2; plus strand). Cytogenetic location: 18p11.21.
Variant type: single nucleotide variant.
Coding change: c.497T>C on transcript NM_024899.4 (MANE Select); coding-DNA position 497, T replaced by C.
Protein change: p.Leu166Pro; replaces leucine 166 with proline.
Molecular consequence: missense variant. On other transcripts: non-coding transcript variant (1), intron variant (2).
Genome position (GRCh38, 1-based): chr18:12,699,002, A>G on the plus strand (T>C on the coding strand, the complement: CEP76 is on the minus strand). VCF-style: chr18-12699002-A-G. GRCh37 (hg19) VCF-style: chr18-12699001-A-G.
Other names: c.-36-7548A>G (NM_147163.2); c.295+828T>C (NM_001271989.2); short protein forms L166P.
Identifiers: ClinVar variation 4075827 (VCV004075827.1).